The following is an entry in ClinVar:

NM_001165963.4(SCN1A):c.644T>G (p.Leu215Trp)

Gene: SCN1A (sodium voltage-gated channel alpha subunit 1; minus strand). Cytogenetic location: 2q24.3.
Variant type: single nucleotide variant.
Coding change: c.644T>G on transcript NM_001165963.4 (MANE Select); coding-DNA position 644, T replaced by G.
Protein change: p.Leu215Trp; replaces leucine 215 with tryptophan.
Molecular consequence: missense variant. On other transcripts: 5 prime UTR variant (1), non-coding transcript variant (1).
Genome position (GRCh38, 1-based): chr2:166,052,902, A>C on the plus strand (T>G on the coding strand, the complement: SCN1A is on the minus strand). VCF-style: chr2-166052902-A-C. GRCh37 (hg19) VCF-style: chr2-166909412-A-C.
Other names: c.644T>G, p.Leu215Trp (NM_001165964.3, NM_001202435.3, NM_001353948.2 and 10 more transcripts); c.-1782T>G (NM_001353961.2); short protein forms L215W.
Identifiers: ClinVar variation 3906499 (VCV003906499.1).

ClinVar aggregate classification (germline): Pathogenic (1 of 4 stars; one submission).

Submission:

GeneDx
Classification: Pathogenic. Last evaluated: 2024-12-22. Review status: criteria provided, single submitter. Criteria: GeneDx Variant Classification Process June 2021. Collection method: clinical testing. Allele origin: germline. Affected: yes.
Comment: In silico analysis supports that this missense variant has a deleterious effect on protein structure/function; Not observed at significant frequency in large population cohorts (gnomAD); Has not been previously published as pathogenic or benign to our knowledge